The following is an entry in ClinVar:

NM_000180.4(GUCY2D):c.1536T>C (p.Phe512=)

Gene: GUCY2D (guanylate cyclase 2D, retinal; plus strand). Cytogenetic location: 17p13.1.
Variant type: single nucleotide variant.
Coding change: c.1536T>C on transcript NM_000180.4 (MANE Select); coding-DNA position 1536, T replaced by C.
Protein change: p.Phe512=; no amino-acid change (phenylalanine 512 retained).
Molecular consequence: synonymous variant.
Genome position (GRCh38, 1-based): chr17:8,007,498, T>C. VCF-style: chr17-8007498-T-C. GRCh37 (hg19) VCF-style: chr17-7910816-T-C.
Other names: c.1536T>C (NM_000180.3).
Identifiers: ClinVar variation 1112469 (VCV001112469.11), dbSNP rs376601845, ClinGen allele CA8365786.

ClinVar aggregate classification (germline): Likely benign. Review status: criteria provided, multiple submitters, no conflicts (2 of 4 stars). 3 submissions from 3 submitters: Likely benign (2). 1 of the submissions does not count toward it. Last evaluated 2025-02-28.

Conditions:
GUCY2D-related disorder. Also called: GUCY2D-related condition.
Cone-rod dystrophy 6 (CORD6). Also called: RETINAL CONE DYSTROPHY 2; Cone dystrophy progressive. Identifiers: Orphanet 1872, MedGen C1866293, MONDO:0011143, OMIM 601777.
Leber congenital amaurosis 1 (LCA1). Also called: RETINAL BLINDNESS, CONGENITAL; AMAUROSIS CONGENITA OF LEBER I; Congenital absence of the rods and cones; Leber's congenital tapetoretinal degeneration; Leber's congenital tapetoretinal dysplasia. Identifiers: Orphanet 65, MedGen C2931258, MONDO:0008764, OMIM 204000.

Allele frequency attached by ClinVar (database versions not stated): ExAC 0.00002; gnomAD 0.00003 and 0.00004; gnomAD exomes 0.00003 and 0.00007; TOPMed 0.00004; ESP Exome Variant Server 0.00008.
gnomAD v4.1: 99 of 1,611,454 alleles (0.0061%); highest among the groups gnomAD compares: Non-Finnish European, 0.0082%; no homozygotes.

Submissions (3):

Labcorp Genetics (formerly Invitae), Labcorp
Classification: Likely benign for Leber congenital amaurosis 1; Cone-rod dystrophy 6. Last evaluated: 2025-02-28. Review status: criteria provided, single submitter. Criteria: Invitae Variant Classification Sherloc (09022015). Collection method: clinical testing. Allele origin: germline.

Blueprint Genetics
Classification: Likely benign. Last evaluated: 2022-07-06. Review status: criteria provided, single submitter. Criteria: ACMG Guidelines, 2015. Collection method: clinical testing. Allele origin: germline.

PreventionGenetics, part of Exact Sciences
Classification: Likely benign for GUCY2D-related condition. Last evaluated: 2024-09-18. Review status: no assertion criteria provided. Collection method: clinical testing. Allele origin: germline. Not counted in ClinVar's aggregate classification.
Comment: This variant is classified as likely benign based on ACMG/AMP sequence variant interpretation guidelines (Richards et al. 2015 PMID: 25741868, with internal and published modifications).